The following is an entry in ClinVar:

ClinVar aggregate classification (germline): Uncertain significance. Review status: criteria provided, multiple submitters, no conflicts (2 of 4 stars). 2 submissions from 2 submitters: Uncertain significance (2). Last evaluated 2024-03-14.

Conditions:
Familial cancer of breast. Also called: Hereditary breast cancer; BREAST CANCER, FAMILIAL; hereditary breast carcinoma. Identifiers: Orphanet 227535, MedGen C0346153, MONDO:0016419, OMIM 114480. Disease mechanism: loss of function.
Fanconi anemia complementation group J. Also called: BRIP1-Related Fanconi Anemia. Identifiers: Orphanet 84, MedGen C1836860, MONDO:0012187, OMIM 609054.

Submissions (2):

Baylor Genetics
Classification: Uncertain significance for Familial cancer of breast. Last evaluated: 2024-03-14. Review status: criteria provided, single submitter. Criteria: ACMG Guidelines, 2015. Collection method: clinical testing. Allele origin: unknown.

Labcorp Genetics (formerly Invitae), Labcorp
Classification: Uncertain significance for Familial cancer of breast; Fanconi anemia complementation group J. Last evaluated: 2021-08-12. Review status: criteria provided, single submitter. Criteria: Invitae Variant Classification Sherloc (09022015). Collection method: clinical testing. Allele origin: germline.
Comment: This sequence change replaces lysine with arginine at codon 70 of the BRIP1 protein (p.Lys70Arg). The lysine residue is highly conserved and there is a small physicochemical difference between lysine and arginine. This variant is not present in population databases (ExAC no frequency). This variant has not been reported in the literature in individuals affected with BRIP1-related conditions. Algorithms developed to predict the effect of missense changes on protein structure and function (SIFT, PolyPhen-2, Align-GVGD) all suggest that this variant is likely to be tolerated. In summary, the available evidence is currently insufficient to determine the role of this variant in disease. Therefore, it has been classified as a Variant of Uncertain Significance.

NM_032043.3(BRIP1):c.209A>G (p.Lys70Arg)

Gene: BRIP1 (BRCA1 interacting DNA helicase 1; minus strand). Cytogenetic location: 17q23.2.
Variant type: single nucleotide variant.
Coding change: c.209A>G on transcript NM_032043.3 (MANE Select); coding-DNA position 209, A replaced by G.
Protein change: p.Lys70Arg; replaces lysine 70 with arginine.
Molecular consequence: missense variant.
Genome position (GRCh38, 1-based): chr17:61,857,228, T>C on the plus strand (A>G on the coding strand, the complement: BRIP1 is on the minus strand). VCF-style: chr17-61857228-T-C. GRCh37 (hg19) VCF-style: chr17-59934589-T-C.
Other names: short protein forms K70R.
Identifiers: ClinVar variation 1460721 (VCV001460721.8), dbSNP rs957072709, ClinGen allele CA400485625.